The following is an entry in ClinVar:

ClinVar aggregate classification (germline): Pathogenic (1 of 4 stars; one submission).

Conditions:
Retinoblastoma (RB1). Also called: RETINOBLASTOMA, SOMATIC. Identifiers: Orphanet 790, MedGen C0035335, MeSH D012175, MONDO:0008380, OMIM 180200, HP:0009919. Disease mechanism: loss of function. Inheritance: Both sporadic and heritable forms are tested..

Submission:

Labcorp Genetics (formerly Invitae), Labcorp
Classification: Pathogenic for Retinoblastoma. Last evaluated: 2022-08-20. Review status: criteria provided, single submitter. Criteria: Invitae Variant Classification Sherloc (09022015). Collection method: clinical testing. Allele origin: germline.
Comment: This variant is not present in population databases (gnomAD no frequency). This premature translational stop signal has been observed in individual(s) with retinoblastoma (PMID: 16463005). This variant is also known as p.V81fs. For these reasons, this variant has been classified as Pathogenic. This sequence change creates a premature translational stop signal (p.Val81Phefs*30) in the RB1 gene. It is expected to result in an absent or disrupted protein product. Loss-of-function variants in RB1 are known to be pathogenic (PMID: 17096365).

Literature cited by the submitters: PubMed 16463005; PubMed 17096365.

NM_000321.3(RB1):c.240del (p.Val81fs)

Gene: RB1 (RB transcriptional corepressor 1; plus strand). Cytogenetic location: 13q14.2.
Variant type: Deletion.
Coding change: c.240del on transcript NM_000321.3 (MANE Select); coding-DNA position 240, one base deleted (A; older notation c.240delA).
Protein change: p.Val81fs; shifts the reading frame from valine 81.
Molecular consequence: frameshift variant.
Genome position (GRCh38, 1-based): chr13:48,307,382, A deleted; the last of 3 consecutive A bases (chr13:48,307,380-48,307,382); deleting any one gives the same sequence. VCF-style (leftmost placement, unchanged base first): chr13-48307379-GA-G. GRCh37 (hg19) VCF-style: chr13-48881515-GA-G.
Other names: c.240delA, p.Val81Phefs (NM_001407165.1, NM_001407166.1, NM_001407167.1); short protein forms V81fs.
Identifiers: ClinVar variation 2025099 (VCV002025099.4), dbSNP rs2542100363, ClinGen allele CA2580087738.